The following is an entry in ClinVar:

ClinVar aggregate classification (germline): Uncertain significance. Review status: criteria provided, multiple submitters, no conflicts (2 of 4 stars). 2 submissions from 2 submitters: Uncertain significance (2). Last evaluated 2023-05-26.

Conditions:
ARMC5-related disorder. Also called: ARMC5-related condition.
Inborn genetic diseases. Identifiers: MedGen C0950123, MeSH D030342.

Allele frequency attached by ClinVar (database versions not stated): gnomAD 0.00001; ExAC 0.00004; TOPMed 0.00006; gnomAD exomes 0.00013.
gnomAD v4.1: 185 of 1,597,510 alleles (0.012%); highest among the groups gnomAD compares: Middle Eastern, 0.016%; no homozygotes.

Submissions (2):

PreventionGenetics, part of Exact Sciences
Classification: Uncertain significance for ARMC5-related condition. Last evaluated: 2023-05-26. Review status: criteria provided, single submitter. Criteria: ACMG Guidelines, 2015. Collection method: clinical testing. Allele origin: germline.
Comment: The ARMC5 c.2102C>T variant is predicted to result in the amino acid substitution p.Pro701Leu. To our knowledge, this variant has not been reported in the literature. This variant is reported in 0.0077% of alleles in individuals of European (Non-Finnish) descent in gnomAD. At this time, the clinical significance of this variant is uncertain due to the absence of conclusive functional and genetic evidence.

Ambry Genetics
Classification: Uncertain significance for Inborn genetic diseases. Last evaluated: 2022-05-11. Review status: criteria provided, single submitter. Criteria: Ambry Variant Classification Scheme 2023. Collection method: clinical testing. Allele origin: germline.

NM_001105247.2(ARMC5):c.1817C>T (p.Pro606Leu)

Gene: ARMC5 (armadillo repeat containing 5; plus strand). Cytogenetic location: 16p11.2.
Variant type: single nucleotide variant.
Coding change: c.1817C>T on transcript NM_001105247.2 (MANE Select); coding-DNA position 1817, C replaced by T.
Protein change: p.Pro606Leu; replaces proline 606 with leucine.
Molecular consequence: missense variant.
Genome position (GRCh38, 1-based): chr16:31,464,840, C>T. VCF-style: chr16-31464840-C-T. GRCh37 (hg19) VCF-style: chr16-31476161-C-T.
Other names: c.2102C>T, p.Pro701Leu (NM_001288767.2); c.1913C>T, p.Pro638Leu (NM_001301820.1); c.1817C>T, p.Pro606Leu (NM_024742.2); c.2102C>T (NM_001288767.1); short protein forms P701L, P638L, P606L.
Identifiers: ClinVar variation 2373669 (VCV002373669.3), dbSNP rs773596341, ClinGen allele CA8029783.